The following is an entry in ClinVar:

ClinVar aggregate classification (germline): Uncertain significance. Review status: criteria provided, multiple submitters, no conflicts (2 of 4 stars). 2 submissions from 2 submitters: Uncertain significance (2). Last evaluated 2025-06-24.

Conditions:
Cardiovascular phenotype. Identifiers: MedGen CN230736.
Myofibrillar myopathy 4. Also called: Zaspopathy (type). Identifiers: Orphanet 98912, MedGen C4721886, MONDO:0012277, OMIM 609452.

Allele frequency attached by ClinVar (database versions not stated): gnomAD 0.00001.
gnomAD v4.1: 1 of 1,609,940 alleles (0.000062%); highest among the groups gnomAD compares: Non-Finnish European, 0.000085%; no homozygotes.

Submissions (2):

Ambry Genetics
Classification: Uncertain significance for Cardiovascular phenotype. Last evaluated: 2025-06-24. Review status: criteria provided, single submitter. Criteria: Ambry Variant Classification Scheme 2023. Collection method: clinical testing. Allele origin: germline.

Labcorp Genetics (formerly Invitae), Labcorp
Classification: Uncertain significance for Myofibrillar myopathy 4. Last evaluated: 2023-05-23. Review status: criteria provided, single submitter. Criteria: Invitae Variant Classification Sherloc (09022015). Collection method: clinical testing. Allele origin: germline.
Comment: The LDB3 gene has multiple clinically relevant transcripts. This variant occurs in alternate transcript NM_007078.3, and corresponds to NM_001080116.1:c.321+1337G>A in the primary transcript. This sequence change replaces arginine, which is basic and polar, with lysine, which is basic and polar, at codon 127 of the LDB3 protein (p.Arg127Lys). This variant is present in population databases (no rsID available, gnomAD 0.007%). This variant has not been reported in the literature in individuals affected with LDB3-related conditions. ClinVar contains an entry for this variant (Variation ID: 1543711). Experimental studies and prediction algorithms are not available or were not evaluated, and the functional significance of this variant is currently unknown. Algorithms developed to predict the effect of sequence changes on RNA splicing suggest that this variant is not likely to affect RNA splicing. In summary, the available evidence is currently insufficient to determine the role of this variant in disease. Therefore, it has been classified as a Variant of Uncertain Significance.

NM_007078.3(LDB3):c.380G>A (p.Arg127Lys)

Gene: LDB3 (LIM domain binding 3; plus strand). Cytogenetic location: 10q23.2.
Variant type: single nucleotide variant.
Coding change: c.380G>A on transcript NM_007078.3 (MANE Select); coding-DNA position 380, G replaced by A.
Protein change: p.Arg127Lys; replaces arginine 127 with lysine.
Molecular consequence: missense variant. On other transcripts: intron variant (5).
Genome position (GRCh38, 1-based): chr10:86,681,494, G>A. VCF-style: chr10-86681494-G-A. GRCh37 (hg19) VCF-style: chr10-88441251-G-A.
Other names: c.380G>A, p.Arg127Lys (NM_001080115.2, NM_001171610.2, NM_001171611.2 and 3 more transcripts); c.321+1337G>A (NM_001368068.1, NM_001368066.1, NM_001080114.2 and 2 more transcripts); short protein forms R127K.
Identifiers: ClinVar variation 1543711 (VCV001543711.11), dbSNP rs1365412037, ClinGen allele CA377453292.